The following is an entry in ClinVar:

NM_182641.4(BPTF):c.7019C>T (p.Pro2340Leu)

Gene: BPTF (bromodomain PHD finger transcription factor; plus strand). Cytogenetic location: 17q24.2.
Variant type: single nucleotide variant.
Coding change: c.7019C>T on transcript NM_182641.4 (MANE Select); coding-DNA position 7019, C replaced by T.
Protein change: p.Pro2340Leu; replaces proline 2340 with leucine.
Molecular consequence: missense variant.
Genome position (GRCh38, 1-based): chr17:67,945,727, C>T. VCF-style: chr17-67945727-C-T. GRCh37 (hg19) VCF-style: chr17-65941843-C-T.
Other names: c.7397C>T, p.Pro2466Leu (NM_004459.7); short protein forms P2340L, P2466L.
Identifiers: ClinVar variation 2805290 (VCV002805290.3), dbSNP rs2512536185, ClinGen allele CA400724199.

ClinVar aggregate classification (germline): Uncertain significance (1 of 4 stars; one submission).

Allele frequency attached by ClinVar (database versions not stated): gnomAD exomes below 0.00001.
gnomAD v4.1: 2 of 1,614,208 alleles (0.00012%); highest among the groups gnomAD compares: South Asian, 0.0022%; no homozygotes.

Submission:

Labcorp Genetics (formerly Invitae), Labcorp
Classification: Uncertain significance. Last evaluated: 2023-06-14. Review status: criteria provided, single submitter. Criteria: Invitae Variant Classification Sherloc (09022015). Collection method: clinical testing. Allele origin: germline.
Comment: This sequence change replaces proline, which is neutral and non-polar, with leucine, which is neutral and non-polar, at codon 2466 of the BPTF protein (p.Pro2466Leu). This variant is not present in population databases (gnomAD no frequency). This variant has not been reported in the literature in individuals affected with BPTF-related conditions. An algorithm developed to predict the effect of missense changes on protein structure and function (PolyPhen-2) suggests that this variant is likely to be disruptive. In summary, the available evidence is currently insufficient to determine the role of this variant in disease. Therefore, it has been classified as a Variant of Uncertain Significance.